The following is an entry in ClinVar:

NM_006031.6(PCNT):c.3824T>A (p.Leu1275Gln)

Gene: PCNT (pericentrin; plus strand). Cytogenetic location: 21q22.3.
Variant type: single nucleotide variant.
Coding change: c.3824T>A on transcript NM_006031.6 (MANE Select); coding-DNA position 3824, T replaced by A.
Protein change: p.Leu1275Gln; replaces leucine 1275 with glutamine.
Molecular consequence: missense variant.
Genome position (GRCh38, 1-based): chr21:46,389,415, T>A. VCF-style: chr21-46389415-T-A. GRCh37 (hg19) VCF-style: chr21-47809330-T-A.
Other names: c.3470T>A, p.Leu1157Gln (NM_001315529.2); short protein forms L1157Q, L1275Q.
Identifiers: ClinVar variation 4992680 (VCV004992680.1).

ClinVar aggregate classification (germline): Uncertain significance (1 of 4 stars; one submission).

Conditions:
PCNT-related disorder. Also called: PCNT-related condition.

Submission:

PreventionGenetics, part of Exact Sciences
Classification: Uncertain significance for PCNT-related condition. Last evaluated: 2026-08-06. Review status: criteria provided, single submitter. Criteria: ACMG Guidelines, 2015. Collection method: clinical testing. Allele origin: germline.
Comment: The PCNT c.3824T>A variant is predicted to result in the amino acid substitution p.Leu1275Gln. To our knowledge, this variant has not been reported in the literature or in a large population database (gnomAD), indicating this variant is rare. At this time, the clinical significance of this variant is uncertain due to the absence of conclusive functional and genetic evidence.